The following is an entry in ClinVar:

NM_005448.2(BMP15):c.-9C>G

Gene: BMP15 (bone morphogenetic protein 15; plus strand). Cytogenetic location: Xp11.22.
Variant type: single nucleotide variant.
Coding change: c.-9C>G on transcript NM_005448.2 (MANE Select); 9 bases upstream of the start codon, C replaced by G.
Molecular consequence: 5 prime UTR variant.
Genome position (GRCh38, 1-based): chrX:50,910,775, C>G. VCF-style: chrX-50910775-C-G. GRCh37 (hg19) VCF-style: chrX-50653775-C-G.
Identifiers: ClinVar variation 136522 (VCV000136522.7), dbSNP rs3810682, ClinGen allele CA289714.
Genomic context (GRCh38, chrX:50,910,775, plus strand): 5'-AGGAAATGGTCAGAGTGACGTCCCTTGGGCTTGTGTTGGGGCCTGTTGTTGAACACTAAG[C>G]CTTTCAAGATGGTCCTCCTCAGTATTCTTAGAATTCTTTTTCTTTGTGAACTCGTGCTTT-3'

ClinVar aggregate classification (germline): Benign. Review status: criteria provided, multiple submitters, no conflicts (2 of 4 stars). 4 submissions from 4 submitters: Benign (4). Last evaluated 2018-01-12.

Conditions:
Ovarian dysgenesis 2 (ODG2). Also called: OVARIAN DYSGENESIS, HYPERGONADOTROPIC, X-LINKED; OVARIAN FAILURE, HYPERGONADOTROPIC, DUE TO OVARIAN DYSGENESIS. Identifiers: Orphanet 243, MedGen C1845294, MONDO:0010349, OMIM 300510.

Allele frequency attached by ClinVar (database versions not stated): 1000 Genomes Project 30x 0.14901; 1000 Genomes Project 0.15099; gnomAD exomes 0.16248; TOPMed 0.18368; gnomAD 0.18919 and 0.19134; ExAC 0.19631; ESP Exome Variant Server 0.20415.
gnomAD v4.1: 250,592 of 1,198,204 alleles (21%); highest among the groups gnomAD compares: Middle Eastern, 24%; 18,782 homozygotes.

Submissions (4):

Illumina Laboratory Services, Illumina
Classification: Benign for Ovarian dysgenesis 2. Last evaluated: 2018-01-12. Review status: criteria provided, single submitter. Criteria: ICSL Variant Classification Criteria 13 December 2019. Collection method: clinical testing. Allele origin: germline.
Comment: This variant was observed in the ICSL laboratory as part of a predisposition screen in an ostensibly healthy population. It had not been previously curated by ICSL or reported in the Human Gene Mutation Database (HGMD: prior to June 1st, 2018), and was therefore a candidate for classification through an automated scoring system. Utilizing variant allele frequency, disease prevalence and penetrance estimates, and inheritance mode, an automated score was calculated to assess if this variant is too frequent to cause the disease. Based on the score and internal cut-off values, a variant classified as benign is not then subjected to further curation. The score for this variant resulted in a classification of benign for this disease.

GeneDx
Classification: Benign. Last evaluated: 2014-03-20. Review status: criteria provided, single submitter. Criteria: GeneDx Variant Classification (06012015). Collection method: clinical testing. Allele origin: germline. Affected: yes.
Comment: This variant is considered likely benign or benign based on one or more of the following criteria: it is a conservative change, it occurs at a poorly conserved position in the protein, it is predicted to be benign by multiple in silico algorithms, and/or has population frequency not consistent with disease.

Breakthrough Genomics
Classification: Benign. Review status: criteria provided, single submitter. Criteria: ACMG Guidelines, 2015. Collection method: not provided. Allele origin: germline. Inheritance: X-linked inheritance. Affected: yes.

PreventionGenetics, part of Exact Sciences
Classification: Benign. Review status: criteria provided, single submitter. Criteria: ACMG Guidelines, 2015. Collection method: clinical testing. Allele origin: germline.